The following is an entry in ClinVar:

NM_001082971.2(DDC):c.132C>T (p.Ala44=)

Gene: DDC (dopa decarboxylase; minus strand). Cytogenetic location: 7p12.1.
Variant type: single nucleotide variant.
Coding change: c.132C>T on transcript NM_001082971.2 (MANE Select); coding-DNA position 132, C replaced by T.
Protein change: p.Ala44=; no amino-acid change (alanine 44 retained).
Molecular consequence: synonymous variant.
Genome position (GRCh38, 1-based): chr7:50,543,954, G>A on the plus strand (C>T on the coding strand, the complement: DDC is on the minus strand). VCF-style: chr7-50543954-G-A. GRCh37 (hg19) VCF-style: chr7-50611652-G-A.
Other names: c.132C>T, p.Ala44= (NM_000790.4, NM_001242886.2, NM_001242887.2 and 3 more transcripts).
Identifiers: ClinVar variation 731874 (VCV000731874.10), dbSNP rs369201549, ClinGen allele CA4262491.
Genomic context (GRCh38, chr7:50,543,954, plus strand): 5'-GATTATCTTCTCAACGTCGTTGATGATGTCCTCAAACGTGTCTGGCTCCTGAGGGGCAGC[G>A]GCAGGGATCAGCGGCCGCAGGTACCCGGGCTCCACGTCAGGGTAGACCTGGCGTCCCTCA-3'
Protein context (NP_001076440.2, residues 34-54): EPGYLRPLIP[Ala44=]AAPQEPDTFE

ClinVar aggregate classification (germline): Likely benign. Review status: criteria provided, single submitter (1 of 4 stars). 2 submissions from 2 submitters: Likely benign (1). 1 of the submissions does not count toward it. Last evaluated 2025-12-08.

Conditions:
DDC-related disorder. Also called: DDC-related condition.
Deficiency of aromatic-L-amino-acid decarboxylase. Also called: Aromatic L-Amino Acid Decarboxylase Deficiency; Aromatic amino acid decarboxylase deficiency; AADC DEFICIENCY; DDC DEFICIENCY; DOPA DECARBOXYLASE DEFICIENCY. Identifiers: Orphanet 35708, MedGen C1291564, MONDO:0012084, OMIM 608643.

Allele frequency attached by ClinVar (database versions not stated): gnomAD exomes 0.00004; ExAC 0.00007; TOPMed 0.00013; ESP Exome Variant Server 0.00015; 1000 Genomes Project 30x 0.00016; gnomAD 0.00018 and 0.00020; 1000 Genomes Project 0.00020.
gnomAD v4.1: 86 of 1,614,104 alleles (0.0053%); highest among the groups gnomAD compares: African/African-American, 0.055%; no homozygotes.

Submissions (2):

Labcorp Genetics (formerly Invitae), Labcorp
Classification: Likely benign for Deficiency of aromatic-L-amino-acid decarboxylase. Last evaluated: 2025-12-08. Review status: criteria provided, single submitter. Criteria: Invitae Variant Classification Sherloc (09022015). Collection method: clinical testing. Allele origin: germline.

PreventionGenetics, part of Exact Sciences
Classification: Likely benign for DDC-related condition. Last evaluated: 2019-12-09. Review status: no assertion criteria provided. Collection method: clinical testing. Allele origin: germline. Not counted in ClinVar's aggregate classification.
Comment: This variant is classified as likely benign based on ACMG/AMP sequence variant interpretation guidelines (Richards et al. 2015 PMID: 25741868, with internal and published modifications).